The following is an entry in ClinVar:

NM_000540.3(RYR1):c.14364C>T (p.Asn4788=)

Gene: RYR1 (ryanodine receptor 1; plus strand). Cytogenetic location: 19q13.2.
Variant type: single nucleotide variant.
Coding change: c.14364C>T on transcript NM_000540.3 (MANE Select); coding-DNA position 14364, C replaced by T.
Protein change: p.Asn4788=; no amino-acid change (asparagine 4788 retained).
Molecular consequence: synonymous variant.
Genome position (GRCh38, 1-based): chr19:38,578,204, C>T. VCF-style: chr19-38578204-C-T. GRCh37 (hg19) VCF-style: chr19-39068844-C-T.
Other names: c.14349C>T, p.Asn4783= (NM_001042723.2).
Identifiers: ClinVar variation 3074103 (VCV003074103.3), dbSNP rs200927402, ClinGen allele CA061164.
Genomic context (GRCh38, chr19:38,578,204, plus strand): 5'-GCTCATGTCCATCGATGTCAAGTACCAGATCTGGAAGTTCGGGGTCATCTTCACAGACAA[C>T]GTGAGCAGGGGCCCACAGACTGGGGAGGGACTCTGCAGGGGTGGGGCGTTAGGAGGGTTC-3'
Protein context (NP_000531.2, residues 4778-4798): IWKFGVIFTD[Asn4788=]SFLYLGWYMV

ClinVar aggregate classification (germline): Conflicting classifications of pathogenicity. Review status: criteria provided, conflicting classifications (1 of 4 stars). 2 submissions from 2 submitters: Uncertain significance (1); Likely benign (1). Last evaluated 2024-07-10.

Conditions:
Malignant hyperthermia, susceptibility to, 1 (MHS1). Also called: Anesthesia related hyperthermia; Malignant hyperpyrexia; Fulminating hyperpyrexia; Pharmacogenic myopathy; RYR1-Related Malignant Hyperthermia Susceptibility; Malignant hyperthermia suceptibility 1. Identifiers: Orphanet 423, MedGen C2930980, MONDO:0007783, OMIM 145600.
RYR1-related disorder. Also called: RYR1-related condition; RYR1-related disorders. Identifiers: MedGen CN239331.

Allele frequency attached by ClinVar (database versions not stated): gnomAD 0.00001; ExAC 0.00002; ESP Exome Variant Server 0.00008.
gnomAD v4.1: 14 of 1,613,282 alleles (0.00087%); highest among the groups gnomAD compares: East Asian, 0.0022%; no homozygotes.

Submissions (2):

Labcorp Genetics (formerly Invitae), Labcorp
Classification: Uncertain significance for RYR1-related disorder. Last evaluated: 2024-07-10. Review status: criteria provided, single submitter. Criteria: Invitae Variant Classification Sherloc (09022015). Collection method: clinical testing. Allele origin: germline.
Comment: This sequence change affects codon 4788 of the RYR1 mRNA. It is a 'silent' change, meaning that it does not change the encoded amino acid sequence of the RYR1 protein. It affects a nucleotide within the consensus splice site. The frequency data for this variant in the population databases is considered unreliable, as metrics indicate poor data quality at this position in the gnomAD database. This variant has not been reported in the literature in individuals affected with RYR1-related conditions. Algorithms developed to predict the effect of sequence changes on RNA splicing suggest that this variant is not likely to affect RNA splicing. In summary, the available evidence is currently insufficient to determine the role of this variant in disease. Therefore, it has been classified as a Variant of Uncertain Significance.

All of Us Research Program, National Institutes of Health
Classification: Likely benign for Malignant hyperthermia, susceptibility to, 1. Last evaluated: 2023-11-20. Review status: criteria provided, single submitter. Criteria: ACMG Guidelines, 2015. Collection method: clinical testing. Allele origin: germline. Inheritance: Autosomal dominant inheritance. Observed: 2 variant alleles, 2 heterozygotes.
Comment: This study involves interpretation of variants in research participants for the purpose of population health screening. Participant phenotype was not available at the time of variant classification. Additional details can be found in publication PMID: 35346344, PMCID: PMC8962531